The following is an entry in ClinVar:

ClinVar aggregate classification (germline): Uncertain significance (1 of 4 stars; one submission).

Submission:

Labcorp Genetics (formerly Invitae), Labcorp
Classification: Uncertain significance. Last evaluated: 2025-05-27. Review status: criteria provided, single submitter. Criteria: Invitae Variant Classification Sherloc (09022015). Collection method: clinical testing. Allele origin: germline.
Comment: This sequence change replaces arginine, which is basic and polar, with lysine, which is basic and polar, at codon 409 of the TFRC protein (p.Arg409Lys). This variant is not present in population databases (gnomAD no frequency). This variant has not been reported in the literature in individuals affected with TFRC-related conditions. ClinVar contains an entry for this variant (Variation ID: 3633037). Invitae Evidence Modeling of protein sequence and biophysical properties (such as structural, functional, and spatial information, amino acid conservation, physicochemical variation, residue mobility, and thermodynamic stability) indicates that this missense variant is expected to disrupt TFRC protein function with a positive predictive value of 80%. In summary, the available evidence is currently insufficient to determine the role of this variant in disease. Therefore, it has been classified as a Variant of Uncertain Significance.

NM_001128148.3(TFRC):c.1226G>A (p.Arg409Lys)

Gene: TFRC (transferrin receptor; minus strand). Cytogenetic location: 3q29.
Variant type: single nucleotide variant.
Coding change: c.1226G>A on transcript NM_001128148.3 (MANE Select); coding-DNA position 1226, G replaced by A.
Protein change: p.Arg409Lys; replaces arginine 409 with lysine.
Molecular consequence: missense variant.
Genome position (GRCh38, 1-based): chr3:196,064,401, C>T on the plus strand (G>A on the coding strand, the complement: TFRC is on the minus strand). VCF-style: chr3-196064401-C-T. GRCh37 (hg19) VCF-style: chr3-195791272-C-T.
Other names: c.983G>A, p.Arg328Lys (NM_001313965.2); c.380G>A, p.Arg127Lys (NM_001313966.2); c.1226G>A, p.Arg409Lys (NM_003234.4); short protein forms R409K, R328K, R127K.
Identifiers: ClinVar variation 3633037 (VCV003633037.2).